The following is an entry in ClinVar:

ClinVar aggregate classification (germline): Uncertain significance. Review status: criteria provided, multiple submitters, no conflicts (2 of 4 stars). 2 submissions from 2 submitters: Uncertain significance (2). Last evaluated 2026-06-10.

Conditions:
ITSN1-related disorder. Also called: ITSN1-related condition.
Inborn genetic diseases. Identifiers: MedGen C0950123, MeSH D030342.

gnomAD v4.1: 1 of 1,614,214 alleles (0.000062%); highest among the groups gnomAD compares: Non-Finnish European, 0.000085%; no homozygotes.

Submissions (2):

Ambry Genetics
Classification: Uncertain significance for Inborn genetic diseases. Last evaluated: 2026-06-10. Review status: criteria provided, single submitter. Criteria: Ambry Variant Classification Scheme 2023. Collection method: clinical testing. Allele origin: germline.

PreventionGenetics, part of Exact Sciences
Classification: Uncertain significance for ITSN1-related condition. Last evaluated: 2025-01-09. Review status: criteria provided, single submitter. Criteria: ACMG Guidelines, 2015. Collection method: clinical testing. Allele origin: germline.
Comment: The ITSN1 c.2860G>T variant is predicted to result in the amino acid substitution p.Val954Phe. To our knowledge, this variant has not been reported in the literature. This variant is reported in 0.0054% of alleles in individuals of East Asian descent in gnomAD. At this time, the clinical significance of this variant is uncertain due to the absence of conclusive functional and genetic evidence.

NM_003024.3(ITSN1):c.2860G>T (p.Val954Phe)

Gene: ITSN1 (intersectin 1; plus strand). Cytogenetic location: 21q22.11.
Variant type: single nucleotide variant.
Coding change: c.2860G>T on transcript NM_003024.3 (MANE Select); coding-DNA position 2860, G replaced by T.
Protein change: p.Val954Phe; replaces valine 954 with phenylalanine.
Molecular consequence: missense variant.
Genome position (GRCh38, 1-based): chr21:33,818,399, G>T. VCF-style: chr21-33818399-G-T. GRCh37 (hg19) VCF-style: chr21-35190703-G-T.
Other names: c.2860G>T, p.Val954Phe (NM_001001132.2, NM_001331008.2); c.2845G>T, p.Val949Phe (NM_001331009.2, NM_001331010.2, NM_001331011.2); c.2734G>T, p.Val912Phe (NM_001331012.2); short protein forms V912F, V949F, V954F.
Identifiers: ClinVar variation 4858538 (VCV004858538.2).